The following is an entry in ClinVar:

NM_002857.4(PEX19):c.190T>A (p.Phe64Ile)

Gene: PEX19 (peroxisomal biogenesis factor 19; minus strand). Cytogenetic location: 1q23.2.
Variant type: single nucleotide variant.
Coding change: c.190T>A on transcript NM_002857.4 (MANE Select); coding-DNA position 190, T replaced by A.
Protein change: p.Phe64Ile; replaces phenylalanine 64 with isoleucine.
Molecular consequence: missense variant. On other transcripts: non-coding transcript variant (2).
Genome position (GRCh38, 1-based): chr1:160,283,100, A>T on the plus strand (T>A on the coding strand, the complement: PEX19 is on the minus strand). VCF-style: chr1-160283100-A-T. GRCh37 (hg19) VCF-style: chr1-160252890-A-T.
Other names: c.190T>A, p.Phe64Ile (NM_001193644.1); short protein forms F64I.
Identifiers: ClinVar variation 1391160 (VCV001391160.6), dbSNP rs1657846391, ClinGen allele CA343264021.

ClinVar aggregate classification (germline): Uncertain significance (1 of 4 stars; one submission).

Conditions:
Peroxisome biogenesis disorder 12A (Zellweger). Also called: Peroxisome biogenesis disorder 12A. Identifiers: Orphanet 912, MedGen C3554002, MONDO:0013951, OMIM 614886.

Submission:

Labcorp Genetics (formerly Invitae), Labcorp
Classification: Uncertain significance for Peroxisome biogenesis disorder 12A (Zellweger). Last evaluated: 2024-10-16. Review status: criteria provided, single submitter. Criteria: Invitae Variant Classification Sherloc (09022015). Collection method: clinical testing. Allele origin: germline.
Comment: This sequence change replaces phenylalanine, which is neutral and non-polar, with isoleucine, which is neutral and non-polar, at codon 64 of the PEX19 protein (p.Phe64Ile). This variant is not present in population databases (gnomAD no frequency). This variant has not been reported in the literature in individuals affected with PEX19-related conditions. ClinVar contains an entry for this variant (Variation ID: 1391160). Invitae Evidence Modeling of protein sequence and biophysical properties (such as structural, functional, and spatial information, amino acid conservation, physicochemical variation, residue mobility, and thermodynamic stability) indicates that this missense variant is not expected to disrupt PEX19 protein function with a negative predictive value of 80%. In summary, the available evidence is currently insufficient to determine the role of this variant in disease. Therefore, it has been classified as a Variant of Uncertain Significance.